The following is an entry in ClinVar:

ClinVar aggregate classification (germline): Uncertain significance (1 of 4 stars; one submission).

Allele frequency attached by ClinVar (database versions not stated): gnomAD 0.00002.
gnomAD v4.1: 21 of 1,612,184 alleles (0.0013%); highest among the groups gnomAD compares: Middle Eastern, 0.066%; 1 homozygote.

Submission:

Labcorp Genetics (formerly Invitae), Labcorp
Classification: Uncertain significance. Last evaluated: 2022-08-05. Review status: criteria provided, single submitter. Criteria: Invitae Variant Classification Sherloc (09022015). Collection method: clinical testing. Allele origin: germline.
Comment: This sequence change replaces aspartic acid, which is acidic and polar, with asparagine, which is neutral and polar, at codon 326 of the COQ8A protein (p.Asp326Asn). This variant is present in population databases (no rsID available, gnomAD 0.0009%). This variant has not been reported in the literature in individuals affected with COQ8A-related conditions. Advanced modeling of protein sequence and biophysical properties (such as structural, functional, and spatial information, amino acid conservation, physicochemical variation, residue mobility, and thermodynamic stability) performed at Invitae indicates that this missense variant is not expected to disrupt COQ8A protein function. Experimental studies have shown that this missense change does not substantially affect COQ8A function (PMID: 32337771). In summary, the available evidence is currently insufficient to determine the role of this variant in disease. Therefore, it has been classified as a Variant of Uncertain Significance.

Literature cited by the submitters: PubMed 32337771.

NM_020247.5(COQ8A):c.976G>A (p.Asp326Asn)

Gene: COQ8A (coenzyme Q8A; plus strand). Cytogenetic location: 1q42.13.
Variant type: single nucleotide variant.
Coding change: c.976G>A on transcript NM_020247.5 (MANE Select); coding-DNA position 976, G replaced by A.
Protein change: p.Asp326Asn; replaces aspartic acid 326 with asparagine.
Molecular consequence: missense variant.
Genome position (GRCh38, 1-based): chr1:226,982,930, G>A. VCF-style: chr1-226982930-G-A. GRCh37 (hg19) VCF-style: chr1-227170631-G-A.
Other names: short protein forms D326N.
Identifiers: ClinVar variation 2075493 (VCV002075493.1), dbSNP rs867452437, ClinGen allele CA38645323.